The following is an entry in ClinVar:

ClinVar aggregate classification (germline): Likely pathogenic. Review status: criteria provided, multiple submitters, no conflicts (2 of 4 stars). 2 submissions from 2 submitters: Likely pathogenic (2). Last evaluated 2025-07-02.

Conditions:
TBX6-related disorder. Also called: TBX6-related condition.
Spondylocostal dysostosis 5 (SCDO5). Also called: SCOLIOSIS, CONGENITAL, WITH OR WITHOUT RIB ANOMALIES. Identifiers: MedGen C4083048, MONDO:0007389, OMIM 122600.

Allele frequency attached by ClinVar (database versions not stated): TOPMed below 0.00001; ExAC 0.00001; gnomAD 0.00002.

Submissions (2):

Department of Genetics, Rouen University Hospital, Normandy Center for Genomic and Personalized Medicine
Classification: Likely pathogenic for Spondylocostal dysostosis 5. Last evaluated: 2025-07-02. Review status: criteria provided, single submitter. Criteria: ACMG Guidelines, 2015. Collection method: clinical testing. Allele origin: paternal. Affected: yes.

PreventionGenetics, part of Exact Sciences
Classification: Likely pathogenic for TBX6-related condition. Last evaluated: 2022-12-15. Review status: criteria provided, single submitter. Criteria: ACMG Guidelines, 2015. Collection method: clinical testing. Allele origin: germline.
Comment: The TBX6 c.834dupT variant is predicted to result in premature protein termination (p.Lys279*). To our knowledge, this variant has not been reported in the literature. This variant is reported in 0.011% of alleles in individuals of African descent in gnomAD. Nonsense variants in TBX6 are expected to be pathogenic. This variant is interpreted as likely pathogenic.

NM_004608.4(TBX6):c.834dup (p.Lys279Ter)

Gene: TBX6 (T-box transcription factor 6; minus strand). Cytogenetic location: 16p11.2.
Variant type: Duplication.
Coding change: c.834dup on transcript NM_004608.4 (MANE Select); coding-DNA position 834, one base duplicated (T; older notation c.834dupT).
Protein change: p.Lys279Ter; replaces lysine 279 with a stop codon.
Molecular consequence: nonsense.
Genome position (GRCh38, 1-based): chr16:30,088,550, A duplicated on the plus strand (T on the coding strand, the reverse complement: TBX6 is on the minus strand). VCF-style (leftmost placement, unchanged base first): chr16-30088549-T-TA. GRCh37 (hg19) VCF-style: chr16-30099870-T-TA.
Other names: short protein forms K279*.
Identifiers: ClinVar variation 2628423 (VCV002628423.2), dbSNP rs754292378, ClinGen allele CA8001792.